The following is an entry in ClinVar:

NM_006009.4(TUBA1A):c.453G>C (p.Ser151=)

Gene: TUBA1A (tubulin alpha 1a; minus strand). Cytogenetic location: 12q13.12.
Variant type: single nucleotide variant.
Coding change: c.453G>C on transcript NM_006009.4 (MANE Select); coding-DNA position 453, G replaced by C.
Protein change: p.Ser151=; no amino-acid change (serine 151 retained).
Molecular consequence: synonymous variant.
Genome position (GRCh38, 1-based): chr12:49,185,913, C>G on the plus strand (G>C on the coding strand, the complement: TUBA1A is on the minus strand). VCF-style: chr12-49185913-C-G. GRCh37 (hg19) VCF-style: chr12-49579696-C-G.
Other names: p.Ser151=; c.453G>C, p.Ser151= (NM_001270399.2); c.348G>C, p.Ser116= (NM_001270400.2).
Identifiers: ClinVar variation 160157 (VCV000160157.27), dbSNP rs697624, ClinGen allele CA173756.

ClinVar aggregate classification (germline): Benign. Review status: criteria provided, multiple submitters, no conflicts (2 of 4 stars). 11 submissions from 11 submitters: Benign (8). 3 of the submissions do not count toward it. Last evaluated 2026-02-03.

Conditions:
TUBA1A-related disorder. Also called: TUBA1A-related condition.
Lissencephaly due to TUBA1A mutation (CDCBM16). Also called: CORTICAL DYSPLASIA, COMPLEX, WITH OTHER BRAIN MALFORMATIONS 16; Lissencephaly 3. Identifiers: Orphanet 171680, MedGen C4305153, MONDO:0012703, OMIM 611603.

Allele frequency attached by ClinVar (database versions not stated): ESP Exome Variant Server 0.43508; gnomAD 0.45037 and 0.45487; TOPMed 0.45412; 1000 Genomes Project 0.54772; 1000 Genomes Project 30x 0.55028.
gnomAD v4.1: 619,067 of 1,612,662 alleles (38%); highest among the groups gnomAD compares: East Asian, 72%; 126,002 homozygotes.

Submissions (11):

Labcorp Genetics (formerly Invitae), Labcorp
Classification: Benign. Last evaluated: 2026-02-03. Review status: criteria provided, single submitter. Criteria: Invitae Variant Classification Sherloc (09022015). Collection method: clinical testing. Allele origin: germline.

Blueprint Genetics
Classification: Benign. Last evaluated: 2024-11-27. Review status: criteria provided, single submitter. Criteria: ACMG Guidelines, 2015. Collection method: clinical testing. Allele origin: germline.

Genome-Nilou Lab
Classification: Benign for Lissencephaly due to TUBA1A mutation. Last evaluated: 2021-12-05. Review status: criteria provided, single submitter. Criteria: ACMG Guidelines, 2015. Collection method: clinical testing. Allele origin: germline. Affected: no.

Athena Diagnostics
Classification: Benign. Last evaluated: 2018-05-07. Review status: criteria provided, single submitter. Criteria: Athena Diagnostics Criteria. Collection method: clinical testing. Allele origin: germline.

Mayo Clinic Laboratories, Mayo Clinic
Classification: Benign. Last evaluated: 2018-04-02. Review status: criteria provided, single submitter. Criteria: ACMG Guidelines, 2015. Collection method: clinical testing. Allele origin: germline. Observed: 173 variant alleles.

GeneDx
Classification: Benign. Last evaluated: 2015-03-03. Review status: criteria provided, single submitter. Criteria: GeneDx Variant Classification Process June 2021. Collection method: clinical testing. Allele origin: germline. Affected: yes.

Genetic Services Laboratory, University of Chicago
Classification: Benign. Last evaluated: 2013-02-08. Review status: criteria provided, single submitter. Criteria: ACMG Guidelines, 2007. Collection method: clinical testing. Allele origin: germline. Inheritance: Autosomal dominant inheritance.

Breakthrough Genomics
Classification: Benign. Review status: criteria provided, single submitter. Criteria: ACMG Guidelines, 2015. Collection method: not provided. Allele origin: germline. Inheritance: Autosomal dominant inheritance. Affected: yes.

PreventionGenetics, part of Exact Sciences
Classification: Benign for TUBA1A-related condition. Last evaluated: 2021-05-28. Review status: no assertion criteria provided. Collection method: clinical testing. Allele origin: germline. Not counted in ClinVar's aggregate classification.
Comment: This variant is classified as benign based on ACMG/AMP sequence variant interpretation guidelines (Richards et al. 2015 PMID: 25741868, with internal and published modifications).

Clinical Genetics DNA and cytogenetics Diagnostics Lab, Erasmus MC, Erasmus Medical Center
Classification: Benign. Review status: no assertion criteria provided. Collection method: clinical testing. Allele origin: germline. Affected: yes. Study: VKGL Data-share Consensus. Not counted in ClinVar's aggregate classification.

Joint Genome Diagnostic Labs from Nijmegen and Maastricht, Radboudumc and MUMC+
Classification: Benign. Review status: no assertion criteria provided. Collection method: clinical testing. Allele origin: germline. Affected: yes. Study: VKGL Data-share Consensus. Not counted in ClinVar's aggregate classification.